The following is an entry in ClinVar:

ClinVar aggregate classification (germline): Uncertain significance. Review status: criteria provided, multiple submitters, no conflicts (2 of 4 stars). 3 submissions from 3 submitters: Uncertain significance (3). Last evaluated 2026-01-21.

Conditions:
Symmetrical dyschromatosis of extremities (DSH). Also called: SYMMETRIC DYSCHROMATOSIS OF THE EXTREMITIES; Dyschromatosis symmetrica hereditaria; RETICULATE ACROPIGMENTATION OF DOHI; DYSCHROMATOSIS SYMMETRICA HEREDITARIA 1. Identifiers: Orphanet 41, MedGen C0406775, MONDO:0007483, OMIM 127400.
Aicardi-Goutieres syndrome 6 (AGS6). Identifiers: Orphanet 51, MedGen C3539013, MONDO:0014007, OMIM 615010.

Allele frequency attached by ClinVar (database versions not stated): ExAC 0.00002; gnomAD exomes 0.00002 and 0.00005; gnomAD 0.00006 and 0.00007; TOPMed 0.00007; ESP Exome Variant Server 0.00008.
gnomAD v4.1: 86 of 1,613,848 alleles (0.0053%); highest among the groups gnomAD compares: Non-Finnish European, 0.0068%; no homozygotes.

Submissions (3):

Labcorp Genetics (formerly Invitae), Labcorp
Classification: Uncertain significance for Aicardi-Goutieres syndrome 6; Symmetrical dyschromatosis of extremities. Last evaluated: 2026-01-21. Review status: criteria provided, single submitter. Criteria: Invitae Variant Classification Sherloc (09022015). Collection method: clinical testing. Allele origin: germline.
Comment: This sequence change replaces serine, which is neutral and polar, with proline, which is neutral and non-polar, at codon 581 of the ADAR protein (p.Ser581Pro). This variant is present in population databases (rs142884797, gnomAD 0.004%). This variant has not been reported in the literature in individuals affected with ADAR-related conditions. ClinVar contains an entry for this variant (Variation ID: 1012545). Invitae Evidence Modeling of protein sequence and biophysical properties (such as structural, functional, and spatial information, amino acid conservation, physicochemical variation, residue mobility, and thermodynamic stability) indicates that this missense variant is not expected to disrupt ADAR protein function with a negative predictive value of 80%. In summary, the available evidence is currently insufficient to determine the role of this variant in disease. Therefore, it has been classified as a Variant of Uncertain Significance.

Genome-Nilou Lab
Classification: Uncertain significance for Aicardi-Goutieres syndrome 6. Last evaluated: 2023-04-11. Review status: criteria provided, single submitter. Criteria: ACMG Guidelines, 2015. Collection method: clinical testing. Allele origin: germline. Affected: no.

CeGaT Center for Human Genetics Tuebingen
Classification: Uncertain significance. Last evaluated: 2021-02-01. Review status: criteria provided, single submitter. Criteria: CeGaT Center For Human Genetics Tuebingen Variant Classification Criteria Version 2. Collection method: clinical testing. Allele origin: germline. Affected: yes. Observed: 1 variant allele.

NM_001111.5(ADAR):c.1741T>C (p.Ser581Pro)

Gene: ADAR (adenosine deaminase RNA specific; minus strand). Cytogenetic location: 1q21.3.
Variant type: single nucleotide variant.
Coding change: c.1741T>C on transcript NM_001111.5 (MANE Select); coding-DNA position 1741, T replaced by C.
Protein change: p.Ser581Pro; replaces serine 581 with proline.
Molecular consequence: missense variant.
Genome position (GRCh38, 1-based): chr1:154,598,446, A>G on the plus strand (T>C on the coding strand, the complement: ADAR is on the minus strand). VCF-style: chr1-154598446-A-G. GRCh37 (hg19) VCF-style: chr1-154570922-A-G.
Other names: c.856T>C, p.Ser286Pro (NM_001025107.3, NM_001193495.2, NM_001365046.1 and 3 more transcripts); c.1768T>C, p.Ser590Pro (NM_001365045.1); c.1741T>C, p.Ser581Pro (NM_015840.4, NM_015841.4); short protein forms S286P, S581P, S590P.
Identifiers: ClinVar variation 1012545 (VCV001012545.45), dbSNP rs142884797, ClinGen allele CA1131492.
Genomic context (GRCh38, chr1:154,598,446, plus strand): 5'-GCAGGAGGACACCTACCTTCTCTGATTCTTTCTCTGTGGAATAGTGGGATGATTCTTCTG[A>G]TTTTCCACTGTCCTTGGCTTTGGCTTCCTCTAGCAGAATTGTCATGGCTTTCATAGCTGC-3'
Protein context (NP_001102.3, residues 571-591): EEAKAKDSGK[Ser581Pro]EESSHYSTEK